The following is an entry in ClinVar:

NM_017841.4(SDHAF2):c.371-9C>G

Gene: SDHAF2 (succinate dehydrogenase complex assembly factor 2; plus strand). Cytogenetic location: 11q12.2.
Variant type: single nucleotide variant.
Coding change: c.371-9C>G on transcript NM_017841.4 (MANE Select); 9 bases into the intron before coding-DNA position 371, C replaced by G.
Molecular consequence: intron variant.
Genome position (GRCh38, 1-based): chr11:61,445,932, C>G. VCF-style: chr11-61445932-C-G. GRCh37 (hg19) VCF-style: chr11-61213404-C-G.
Identifiers: ClinVar variation 2139292 (VCV002139292.5), dbSNP rs2540132967, ClinGen allele CA2574841565.

ClinVar aggregate classification (germline): Conflicting classifications of pathogenicity. Review status: criteria provided, conflicting classifications (1 of 4 stars). 2 submissions from 2 submitters: Uncertain significance (1); Likely benign (1). Last evaluated 2025-10-21.

Conditions:
Hereditary pheochromocytoma and paraganglioma. Also called: Hereditary paragangliomas and pheochromocytomas; Hereditary Paraganglioma-Pheochromocytoma Syndromes; Hereditary pheochromocytoma-paraganglioma. Identifiers: Orphanet 29072, MedGen C4274332, MONDO:0017366.

Allele frequency attached by ClinVar (database versions not stated): gnomAD exomes below 0.00001.
gnomAD v4.1: 1 of 1,614,158 alleles (0.000062%); highest among the groups gnomAD compares: Non-Finnish European, 0.000085%; no homozygotes.

Submissions (2):

Labcorp Genetics (formerly Invitae), Labcorp
Classification: Likely benign for Hereditary pheochromocytoma and paraganglioma. Last evaluated: 2025-10-21. Review status: criteria provided, single submitter. Criteria: Invitae Variant Classification Sherloc (09022015). Collection method: clinical testing. Allele origin: germline.

All of Us Research Program, National Institutes of Health
Classification: Uncertain significance for Hereditary pheochromocytoma and paraganglioma. Last evaluated: 2023-06-08. Review status: criteria provided, single submitter. Criteria: ACMG Guidelines, 2015. Collection method: clinical testing. Allele origin: germline. Inheritance: Autosomal dominant inheritance. Observed: 1 variant allele, 1 heterozygote.
Comment: This variant causes a C to G nucleotide substitution at the -9 position of intron 3 of the SDHAF2 gene. To our knowledge, functional studies have not been reported for this variant. This variant has not been reported in individuals affected with SDHAF2-related disorders in the literature. This variant has not been identified in the general population by the Genome Aggregation Database (gnomAD). The available evidence is insufficient to determine the role of this variant in disease conclusively. Therefore, this variant is classified as a Variant of Uncertain Significance.

This study involves interpretation of variants in research participants for the purpose of population health screening. Participant phenotype was not available at the time of variant classification. Additional details can be found in publication PMID: 35346344, PMCID: PMC8962531